The following is an entry in ClinVar:

NM_003790.3(TNFRSF25):c.372G>A (p.Glu124=)

Gene: TNFRSF25 (TNF receptor superfamily member 25; minus strand). Cytogenetic location: 1p36.31.
Variant type: single nucleotide variant.
Coding change: c.372G>A on transcript NM_003790.3 (MANE Select); coding-DNA position 372, G replaced by A.
Protein change: p.Glu124=; no amino-acid change (glutamic acid 124 retained).
Molecular consequence: synonymous variant. On other transcripts: intron variant (1).
Genome position (GRCh38, 1-based): chr1:6,464,643, C>T on the plus strand (G>A on the coding strand, the complement: TNFRSF25 is on the minus strand). VCF-style: chr1-6464643-C-T. GRCh37 (hg19) VCF-style: chr1-6524703-C-T.
Other names: c.372G>A, p.Glu124= (NM_001039664.2, NM_148965.2, NM_148966.2); c.237G>A, p.Glu79= (NM_148967.2); c.160+797G>A (NM_148970.2).
Identifiers: ClinVar variation 3044857 (VCV003044857.2), dbSNP rs45497599, ClinGen allele CA560884.

ClinVar aggregate classification (germline): Benign (0 of 4 stars; one submission).

Conditions:
TNFRSF25-related disorder. Also called: TNFRSF25-related condition.

Allele frequency attached by ClinVar (database versions not stated): 1000 Genomes Project 0.00160; 1000 Genomes Project 30x 0.00172; TOPMed 0.00272; gnomAD 0.00376; ESP Exome Variant Server 0.00415; ExAC 0.00435.
gnomAD v4.1: 7,806 of 1,614,050 alleles (0.48%); highest among the groups gnomAD compares: Non-Finnish European, 0.54%; 29 homozygotes.

Submission:

PreventionGenetics, part of Exact Sciences
Classification: Benign for TNFRSF25-related condition. Last evaluated: 2019-03-26. Review status: no assertion criteria provided. Collection method: clinical testing. Allele origin: germline.
Comment: This variant is classified as benign based on ACMG/AMP sequence variant interpretation guidelines (Richards et al. 2015 PMID: 25741868, with internal and published modifications).